The following is an entry in ClinVar:

ClinVar aggregate classification (germline): Uncertain significance (1 of 4 stars; one submission).

Allele frequency attached by ClinVar (database versions not stated): gnomAD exomes 0.00001; TOPMed 0.00001; gnomAD 0.00002.

Submission:

GeneDx
Classification: Uncertain significance. Last evaluated: 2022-03-02. Review status: criteria provided, single submitter. Criteria: GeneDx Variant Classification Process June 2021. Collection method: clinical testing. Allele origin: germline. Affected: yes.
Comment: In silico analysis supports that this missense variant has a deleterious effect on protein structure/function; Has not been previously published as pathogenic or benign to our knowledge

NM_001429.4(EP300):c.767C>T (p.Pro256Leu)

Gene: EP300 (E1A binding protein p300; plus strand). Cytogenetic location: 22q13.2.
Variant type: single nucleotide variant.
Coding change: c.767C>T on transcript NM_001429.4 (MANE Select); coding-DNA position 767, C replaced by T.
Protein change: p.Pro256Leu; replaces proline 256 with leucine.
Molecular consequence: missense variant.
Genome position (GRCh38, 1-based): chr22:41,125,901, C>T. VCF-style: chr22-41125901-C-T. GRCh37 (hg19) VCF-style: chr22-41521905-C-T.
Other names: c.767C>T, p.Pro256Leu (NM_001362843.2); short protein forms P256L.
Identifiers: ClinVar variation 1703978 (VCV001703978.2), dbSNP rs1038337705, ClinGen allele CA324517213.